The following is an entry in ClinVar:

NM_002529.4(NTRK1):c.1651G>C (p.Glu551Gln)

Gene: NTRK1 (neurotrophic receptor tyrosine kinase 1; plus strand). Cytogenetic location: 1q23.1.
Variant type: single nucleotide variant.
Coding change: c.1651G>C on transcript NM_002529.4 (MANE Select); coding-DNA position 1651, G replaced by C.
Protein change: p.Glu551Gln; replaces glutamic acid 551 with glutamine.
Molecular consequence: missense variant.
Genome position (GRCh38, 1-based): chr1:156,876,418, G>C. VCF-style: chr1-156876418-G-C. GRCh37 (hg19) VCF-style: chr1-156846210-G-C.
Other names: c.1651G>C, p.Glu551Gln (NM_001007204.1); c.1543G>C, p.Glu515Gln (NM_001007792.1); c.1633G>C, p.Glu545Gln (NM_001012331.2); short protein forms E515Q, E545Q, E551Q.
Identifiers: ClinVar variation 2049524 (VCV002049524.4), dbSNP rs759471657, ClinGen allele CA1169431.

ClinVar aggregate classification (germline): Uncertain significance (1 of 4 stars; one submission).

Conditions:
Hereditary insensitivity to pain with anhidrosis (CIPA). Also called: FAMILIAL DYSAUTONOMIA, TYPE II; NEUROPATHY, CONGENITAL SENSORY, WITH ANHIDROSIS; NTRK1 Congenital Insensitivity to Pain with Anhidrosis; INSENSITIVITY TO PAIN, CONGENITAL, WITH ANHIDROSIS; HSAN Type IV; hereditary sensory and autonomic neuropathy type 4. Identifiers: Orphanet 642, MedGen C0020074, MONDO:0009746, OMIM 256800.

Submission:

Labcorp Genetics (formerly Invitae), Labcorp
Classification: Uncertain significance for Hereditary insensitivity to pain with anhidrosis. Last evaluated: 2024-01-15. Review status: criteria provided, single submitter. Criteria: Invitae Variant Classification Sherloc (09022015). Collection method: clinical testing. Allele origin: germline.
Comment: This sequence change replaces glutamic acid, which is acidic and polar, with glutamine, which is neutral and polar, at codon 545 of the NTRK1 protein (p.Glu545Gln). This variant is present in population databases (rs759471657, gnomAD 0.0009%). This variant has not been reported in the literature in individuals affected with NTRK1-related conditions. ClinVar contains an entry for this variant (Variation ID: 2049524). Advanced modeling of protein sequence and biophysical properties (such as structural, functional, and spatial information, amino acid conservation, physicochemical variation, residue mobility, and thermodynamic stability) performed at Invitae indicates that this missense variant is not expected to disrupt NTRK1 protein function with a negative predictive value of 80%. In summary, the available evidence is currently insufficient to determine the role of this variant in disease. Therefore, it has been classified as a Variant of Uncertain Significance.